The following is an entry in ClinVar:

ClinVar aggregate classification (germline): Uncertain significance (1 of 4 stars; one submission).

Conditions:
Succinate-semialdehyde dehydrogenase deficiency (SSADHD). Also called: SSADH DEFICIENCY; 4-HYDROXYBUTYRIC ACIDURIA; GABA METABOLIC DEFECT; Succinic Semialdehyde Dehydrogenase Deficiency. Identifiers: Orphanet 22, MedGen C0268631, MONDO:0010083, OMIM 271980.

Allele frequency attached by ClinVar (database versions not stated): TOPMed below 0.00001.

Submission:

Labcorp Genetics (formerly Invitae), Labcorp
Classification: Uncertain significance for Succinate-semialdehyde dehydrogenase deficiency. Last evaluated: 2019-06-05. Review status: criteria provided, single submitter. Criteria: Invitae Variant Classification Sherloc (09022015). Collection method: clinical testing. Allele origin: germline.
Comment: In summary, the available evidence is currently insufficient to determine the role of this variant in disease. Therefore, it has been classified as a Variant of Uncertain Significance. Algorithms developed to predict the effect of missense changes on protein structure and function (SIFT, PolyPhen-2, Align-GVGD) all suggest that this variant is likely to be tolerated, but these predictions have not been confirmed by published functional studies and their clinical significance is uncertain. This variant has not been reported in the literature in individuals with ALDH5A1-related conditions. This variant is not present in population databases (ExAC no frequency). This sequence change replaces valine with alanine at codon 464 of the ALDH5A1 protein (p.Val464Ala). The valine residue is moderately conserved and there is a small physicochemical difference between valine and alanine.

NM_001080.3(ALDH5A1):c.1391T>C (p.Val464Ala)

Gene: ALDH5A1 (aldehyde dehydrogenase 5 family member A1; plus strand). Cytogenetic location: 6p22.3.
Variant type: single nucleotide variant.
Coding change: c.1391T>C on transcript NM_001080.3 (MANE Select); coding-DNA position 1391, T replaced by C.
Protein change: p.Val464Ala; replaces valine 464 with alanine.
Molecular consequence: missense variant.
Genome position (GRCh38, 1-based): chr6:24,532,166, T>C. VCF-style: chr6-24532166-T-C. GRCh37 (hg19) VCF-style: chr6-24532394-T-C.
Other names: c.1247T>C, p.Val416Ala (NM_001368954.1); c.1430T>C, p.Val477Ala (NM_170740.1); short protein forms V477A, V464A, V416A.
Identifiers: ClinVar variation 952806 (VCV000952806.9), dbSNP rs1243219538, ClinGen allele CA362966930.